The following is an entry in ClinVar:

NM_000392.5(ABCC2):c.2501T>C (p.Leu834Pro)

Gene: ABCC2 (ATP binding cassette subfamily C member 2; plus strand). Cytogenetic location: 10q24.2.
Variant type: single nucleotide variant.
Coding change: c.2501T>C on transcript NM_000392.5 (MANE Select); coding-DNA position 2501, T replaced by C.
Protein change: p.Leu834Pro; replaces leucine 834 with proline.
Molecular consequence: missense variant.
Genome position (GRCh38, 1-based): chr10:99,819,150, T>C. VCF-style: chr10-99819150-T-C. GRCh37 (hg19) VCF-style: chr10-101578907-T-C.
Other names: short protein forms L834P.
Identifiers: ClinVar variation 1028725 (VCV001028725.2), dbSNP rs2038480826, ClinGen allele CA378118339.

ClinVar aggregate classification (germline): Uncertain significance. Review status: criteria provided, multiple submitters, no conflicts (2 of 4 stars). 2 submissions from 2 submitters: Uncertain significance (2). Last evaluated 2024-09-22.

Conditions:
Dubin-Johnson syndrome (DJS). Also called: HYPERBILIRUBINEMIA, DUBIN-JOHNSON TYPE; Jaundice, Chronic Idiopathic; Hyperbilirubinemia type 2. Identifiers: Orphanet 234, MedGen C0022350, MONDO:0009380, OMIM 237500.

Allele frequency attached by ClinVar (database versions not stated): gnomAD exomes below 0.00001.
gnomAD v4.1: 1 of 1,614,198 alleles (0.000062%); highest among the groups gnomAD compares: South Asian, 0.0011%; no homozygotes.

Submissions (2):

Genomic Medicine Center of Excellence, King Faisal Specialist Hospital and Research Centre
Classification: Uncertain significance for Dubin-Johnson syndrome. Last evaluated: 2024-09-22. Review status: criteria provided, single submitter. Criteria: ACMG Guidelines, 2015. Collection method: clinical testing. Allele origin: germline.

Baylor Genetics
Classification: Uncertain significance for Dubin-Johnson syndrome. Last evaluated: 2019-11-26. Review status: criteria provided, single submitter. Criteria: ACMG Guidelines, 2015. Collection method: clinical testing. Allele origin: unknown. Affected: yes.
Comment: This variant was determined to be of uncertain significance according to ACMG Guidelines, 2015 [PMID:25741868].